The following is an entry in ClinVar:

ClinVar aggregate classification (germline): Uncertain significance (1 of 4 stars; one submission).

Conditions:
Progressive microcephaly-seizures-cortical blindness-developmental delay syndrome. Also called: Seizures, cortical blindness, and microcephaly syndrome. Identifiers: Orphanet 477814, MedGen C5567650, MONDO:0014714, OMIM 616632.
Autosomal dominant nonsyndromic hearing loss 1. Also called: KONIGSMARK SYNDROME; DEAFNESS, AUTOSOMAL DOMINANT 1, WITH OR WITHOUT THROMBOCYTOPENIA. Identifiers: Orphanet 90635, MedGen C1852282, MONDO:0007424, OMIM 124900.

Submission:

Labcorp Genetics (formerly Invitae), Labcorp
Classification: Uncertain significance for Progressive microcephaly-seizures-cortical blindness-developmental delay syndrome; Autosomal dominant nonsyndromic hearing loss 1. Last evaluated: 2024-03-04. Review status: criteria provided, single submitter. Criteria: Invitae Variant Classification Sherloc (09022015). Collection method: clinical testing. Allele origin: germline.
Comment: This sequence change replaces arginine, which is basic and polar, with leucine, which is neutral and non-polar, at codon 421 of the DIAPH1 protein (p.Arg421Leu). This variant is not present in population databases (gnomAD no frequency). This variant has not been reported in the literature in individuals affected with DIAPH1-related conditions. Experimental studies and prediction algorithms are not available or were not evaluated, and the functional significance of this variant is currently unknown. Algorithms developed to predict the effect of sequence changes on RNA splicing suggest that this variant may disrupt the consensus splice site. In summary, the available evidence is currently insufficient to determine the role of this variant in disease. Therefore, it has been classified as a Variant of Uncertain Significance.

NM_005219.5(DIAPH1):c.1262G>T (p.Arg421Leu)

Gene: DIAPH1 (diaphanous related formin 1; minus strand). Cytogenetic location: 5q31.3.
Variant type: single nucleotide variant.
Coding change: c.1262G>T on transcript NM_005219.5 (MANE Select); coding-DNA position 1262, G replaced by T.
Protein change: p.Arg421Leu; replaces arginine 421 with leucine.
Molecular consequence: missense variant.
Genome position (GRCh38, 1-based): chr5:141,577,493, C>A on the plus strand (G>T on the coding strand, the complement: DIAPH1 is on the minus strand). VCF-style: chr5-141577493-C-A. GRCh37 (hg19) VCF-style: chr5-140957060-C-A.
Other names: c.1235G>T, p.Arg412Leu (NM_001079812.3); c.1262G>T, p.Arg421Leu (NM_001314007.2); short protein forms R412L, R421L.
Identifiers: ClinVar variation 2942039 (VCV002942039.3), dbSNP rs754559074, ClinGen allele CA361528670.